The following is an entry in ClinVar:

NM_152296.5(ATP1A3):c.1640A>C (p.His547Pro)

Gene: ATP1A3 (ATPase Na+/K+ transporting subunit alpha 3; minus strand). Cytogenetic location: 19q13.2.
Variant type: single nucleotide variant.
Coding change: c.1640A>C on transcript NM_152296.5 (MANE Select); coding-DNA position 1640, A replaced by C.
Protein change: p.His547Pro; replaces histidine 547 with proline.
Molecular consequence: missense variant.
Genome position (GRCh38, 1-based): chr19:41,978,317, T>G on the plus strand (A>C on the coding strand, the complement: ATP1A3 is on the minus strand). VCF-style: chr19-41978317-T-G. GRCh37 (hg19) VCF-style: chr19-42482469-T-G.
Other names: c.1673A>C, p.His558Pro (NM_001256213.2); c.1679A>C, p.His560Pro (NM_001256214.2); short protein forms H547P, H558P, H560P.
Identifiers: ClinVar variation 3066228 (VCV003066228.1), dbSNP rs1599715533, ClinGen allele CA406046175.

ClinVar aggregate classification (germline): Uncertain significance (1 of 4 stars; one submission).

Conditions:
Developmental and epileptic encephalopathy 99. Identifiers: MedGen C5562018, MONDO:0030473, OMIM 619606.

Submission:

MVZ Medizinische Genetik Mainz
Classification: Uncertain significance for Developmental and epileptic encephalopathy 99. Last evaluated: 2023-05-23. Review status: criteria provided, single submitter. Criteria: UK Practice Guidelines For Variant Classification V4 01 2020. Collection method: clinical testing. Allele origin: germline. Inheritance: Autosomal dominant inheritance. Affected: yes. Observed: 1 variant allele.
Comment: ACMG Criteria: PM2_SUP,PP2,PP3